The following is an entry in ClinVar:

ClinVar aggregate classification (germline): Uncertain significance (1 of 4 stars; one submission).

Conditions:
Long QT syndrome (LQTS). Identifiers: MedGen C0023976, MeSH D008133, MONDO:0002442. Disease mechanism: loss of function. Inheritance: Various modes of inheritance.

Submission:

Labcorp Genetics (formerly Invitae), Labcorp
Classification: Uncertain significance for Long QT syndrome. Last evaluated: 2023-03-26. Review status: criteria provided, single submitter. Criteria: Invitae Variant Classification Sherloc (09022015). Collection method: clinical testing. Allele origin: germline.
Comment: This variant has not been reported in the literature in individuals affected with AKAP9-related conditions. In summary, the available evidence is currently insufficient to determine the role of this variant in disease. Therefore, it has been classified as a Variant of Uncertain Significance. An algorithm developed to predict the effect of missense changes on protein structure and function (PolyPhen-2) suggests that this variant is likely to be disruptive. This variant is not present in population databases (gnomAD no frequency). This sequence change replaces glycine, which is neutral and non-polar, with glutamic acid, which is acidic and polar, at codon 1755 of the AKAP9 protein (p.Gly1755Glu).

NM_005751.5(AKAP9):c.5264G>A (p.Gly1755Glu)

Gene: AKAP9 (A-kinase anchoring protein 9; plus strand). Cytogenetic location: 7q21.2.
Variant type: single nucleotide variant.
Coding change: c.5264G>A on transcript NM_005751.5 (MANE Select); coding-DNA position 5264, G replaced by A.
Protein change: p.Gly1755Glu; replaces glycine 1755 with glutamic acid.
Molecular consequence: missense variant.
Genome position (GRCh38, 1-based): chr7:92,045,109, G>A. VCF-style: chr7-92045109-G-A. GRCh37 (hg19) VCF-style: chr7-91674423-G-A.
Other names: c.5264G>A, p.Gly1755Glu (NM_147185.3); short protein forms G1755E.
Identifiers: ClinVar variation 2849734 (VCV002849734.3), dbSNP rs2535143674, ClinGen allele CA368130677.